The following is an entry in ClinVar:

NM_001079802.2(FKTN):c.1172+4T>C

Gene: FKTN (fukutin; plus strand). Cytogenetic location: 9q31.2.
Variant type: single nucleotide variant.
Coding change: c.1172+4T>C on transcript NM_001079802.2 (MANE Select); 4 bases into the intron after coding-DNA position 1172, T replaced by C.
Molecular consequence: intron variant. On other transcripts: synonymous variant (1).
Genome position (GRCh38, 1-based): chr9:105,620,065, T>C. VCF-style: chr9-105620065-T-C. GRCh37 (hg19) VCF-style: chr9-108382346-T-C.
Other names: c.1176T>C, p.Tyr392= (NM_001351498.2); c.1172+4T>C (NM_006731.2, NM_001351496.2, NM_001198963.2); c.776+4T>C (NM_001351502.2, NM_001351499.2, NM_001351500.2 and 1 more transcripts); c.1103+4T>C (NM_001351497.2).
Identifiers: ClinVar variation 1394333 (VCV001394333.6), dbSNP rs2133212082, ClinGen allele CA2573143723.

ClinVar aggregate classification (germline): Uncertain significance (1 of 4 stars; one submission).

Conditions:
Walker-Warburg congenital muscular dystrophy. Also called: Muscular dystrophy-dystroglycanopathy, type A; Walker-Warburg syndrome. Identifiers: Orphanet 899, MedGen C0265221, MONDO:0000171.

Submission:

Labcorp Genetics (formerly Invitae), Labcorp
Classification: Uncertain significance for Walker-Warburg congenital muscular dystrophy. Last evaluated: 2025-11-24. Review status: criteria provided, single submitter. Criteria: Invitae Variant Classification Sherloc (09022015). Collection method: clinical testing. Allele origin: germline.
Comment: This sequence change falls in intron 10 of the FKTN gene. It does not directly change the encoded amino acid sequence of the FKTN protein. It affects a nucleotide within the consensus splice site. This variant is not present in population databases (gnomAD no frequency). This variant has not been reported in the literature in individuals affected with FKTN-related conditions. ClinVar contains an entry for this variant (Variation ID: 1394333). Variants that disrupt the consensus splice site are a relatively common cause of aberrant splicing (PMID: 17576681, 9536098). Algorithms developed to predict the effect of sequence changes on RNA splicing suggest that this variant is not likely to affect RNA splicing. In summary, the available evidence is currently insufficient to determine the role of this variant in disease. Therefore, it has been classified as a Variant of Uncertain Significance.

Literature cited by the submitters: PubMed 17576681; PubMed 9536098.